The following is an entry in ClinVar:

ClinVar aggregate classification (germline): Uncertain significance. Review status: criteria provided, multiple submitters, no conflicts (2 of 4 stars). 3 submissions from 3 submitters: Uncertain significance (3). Last evaluated 2024-03-04.

Conditions:
Cortical dysplasia-focal epilepsy syndrome (PTHSL1). Also called: Pitt-Hopkins-like syndrome 1. Identifiers: Orphanet 163681, Orphanet 221150, MedGen C2750246, MONDO:0012400, OMIM 610042.
Inborn genetic diseases. Identifiers: MedGen C0950123, MeSH D030342.

Allele frequency attached by ClinVar (database versions not stated): gnomAD exomes 0.00001; TOPMed 0.00001; ExAC 0.00002; gnomAD 0.00002.
gnomAD v4.1: 33 of 1,612,414 alleles (0.002%); highest among the groups gnomAD compares: Non-Finnish European, 0.0028%; no homozygotes.

Submissions (3):

Labcorp Genetics (formerly Invitae), Labcorp
Classification: Uncertain significance for Cortical dysplasia-focal epilepsy syndrome. Last evaluated: 2024-03-04. Review status: criteria provided, single submitter. Criteria: Invitae Variant Classification Sherloc (09022015). Collection method: clinical testing. Allele origin: germline.
Comment: This sequence change replaces glutamine, which is neutral and polar, with glutamic acid, which is acidic and polar, at codon 518 of the CNTNAP2 protein (p.Gln518Glu). This variant is present in population databases (rs781568509, gnomAD 0.003%). This variant has not been reported in the literature in individuals affected with CNTNAP2-related conditions. ClinVar contains an entry for this variant (Variation ID: 1000568). An algorithm developed to predict the effect of missense changes on protein structure and function (PolyPhen-2) suggests that this variant is likely to be disruptive. In summary, the available evidence is currently insufficient to determine the role of this variant in disease. Therefore, it has been classified as a Variant of Uncertain Significance.

Ambry Genetics
Classification: Uncertain significance for Inborn genetic diseases. Last evaluated: 2023-10-13. Review status: criteria provided, single submitter. Criteria: Ambry Variant Classification Scheme 2023. Collection method: clinical testing. Allele origin: germline.

Blueprint Genetics
Classification: Uncertain significance. Last evaluated: 2023-07-07. Review status: criteria provided, single submitter. Criteria: ACMG Guidelines, 2015. Collection method: clinical testing. Allele origin: germline.

NM_014141.6(CNTNAP2):c.1552C>G (p.Gln518Glu)

Gene: CNTNAP2 (contactin associated protein 2; plus strand). Cytogenetic location: 7q35.
Variant type: single nucleotide variant.
Coding change: c.1552C>G on transcript NM_014141.6 (MANE Select); coding-DNA position 1552, C replaced by G.
Protein change: p.Gln518Glu; replaces glutamine 518 with glutamic acid.
Molecular consequence: missense variant.
Genome position (GRCh38, 1-based): chr7:147,395,662, C>G. VCF-style: chr7-147395662-C-G. GRCh37 (hg19) VCF-style: chr7-147092754-C-G.
Other names: c.1552C>G (NM_014141.5); short protein forms Q518E.
Identifiers: ClinVar variation 1000568 (VCV001000568.10), dbSNP rs781568509, ClinGen allele CA4546107.
Genomic context (GRCh38, chr7:147,395,662, plus strand): 5'-TTCACAGGTTTTCTGAACCAGATGAATAACTCAAGTCACTCTGTCCTTCAGCCTTCATTC[C>G]AAGGATGCATGCAGCTCATTCAAGTGGACGATCAACTTGTAAATTTATACGAAGTGGCAC-3'
Protein context (NP_054860.1, residues 508-528): SSHSVLQPSF[Gln518Glu]GCMQLIQVDD